The following is an entry in ClinVar:

ClinVar aggregate classification (germline): Uncertain significance (1 of 4 stars; one submission).

Conditions:
Inborn genetic diseases. Identifiers: MedGen C0950123, MeSH D030342.

Submission:

Ambry Genetics
Classification: Uncertain significance for Inborn genetic diseases. Last evaluated: 2021-10-05. Review status: criteria provided, single submitter. Criteria: Ambry Variant Classification Scheme 2023. Collection method: clinical testing. Allele origin: germline.
Comment: The p.F374S variant (also known as c.1121T>C), located in coding exon 9 of the EPAS1 gene, results from a T to C substitution at nucleotide position 1121. The phenylalanine at codon 374 is replaced by serine, an amino acid with highly dissimilar properties. This amino acid position is conserved. In addition, the in silico prediction for this alteration is inconclusive. Since supporting evidence is limited at this time, the clinical significance of this alteration remains unclear.

NM_001430.5(EPAS1):c.1121T>C (p.Phe374Ser)

Gene: EPAS1 (endothelial PAS domain protein 1; plus strand). Cytogenetic location: 2p21.
Variant type: single nucleotide variant.
Coding change: c.1121T>C on transcript NM_001430.5 (MANE Select); coding-DNA position 1121, T replaced by C.
Protein change: p.Phe374Ser; replaces phenylalanine 374 with serine.
Molecular consequence: missense variant.
Genome position (GRCh38, 1-based): chr2:46,376,625, T>C. VCF-style: chr2-46376625-T-C. GRCh37 (hg19) VCF-style: chr2-46603764-T-C.
Other names: short protein forms F374S.
Identifiers: ClinVar variation 1797956 (VCV001797956.2), dbSNP rs150797491, ClinGen allele CA346703228.